The following is an entry in ClinVar:

NM_001365276.2(TNXB):c.3276C>T (p.Phe1092=)

Gene: TNXB (tenascin XB; minus strand). Cytogenetic location: 6p21.33.
Variant type: single nucleotide variant.
Coding change: c.3276C>T on transcript NM_001365276.2 (MANE Select); coding-DNA position 3276, C replaced by T.
Protein change: p.Phe1092=; no amino-acid change (phenylalanine 1092 retained).
Molecular consequence: synonymous variant.
Genome position (GRCh38, 1-based): chr6:32,084,582, G>A on the plus strand (C>T on the coding strand, the complement: TNXB is on the minus strand). VCF-style: chr6-32084582-G-A. GRCh37 (hg19) VCF-style: chr6-32052359-G-A.
Other names: c.3276C>T, p.Phe1092= (NM_019105.8).
Identifiers: ClinVar variation 1729673 (VCV001729673.3), dbSNP rs1779661773, ClinGen allele CA449822940.
Genomic context (GRCh38, chr6:32,084,582, plus strand): 5'-CTGGGGTCCTTCCACGGGCACCACCTGGGGCTGCCCGTCCCTGTCTTTGTACTGGATCAC[G>A]AAGGAGTCAAACTCGCCCTCGGGGACCGTCCAGCGCAGGAGCAAGGAGTCGGAGGTCCTG-3'
Protein context (NP_001352205.1, residues 1082-1102): WTVPEGEFDS[Phe1092=]VIQYKDRDGQ

ClinVar aggregate classification (germline): Likely benign. Review status: criteria provided, single submitter (1 of 4 stars). 2 submissions from 2 submitters: Likely benign (1). 1 of the submissions does not count toward it. Last evaluated 2020-06-22.

Conditions:
Cardiovascular phenotype. Identifiers: MedGen CN230736.
TNXB-related disorder. Also called: TNXB-related condition.

Allele frequency attached by ClinVar (database versions not stated): TOPMed below 0.00001; gnomAD exomes 0.00001; gnomAD 0.00002.
gnomAD v4.1: 13 of 1,608,474 alleles (0.00081%); highest among the groups gnomAD compares: Middle Eastern, 0.017%; no homozygotes.

Submissions (2):

Ambry Genetics
Classification: Likely benign for Cardiovascular phenotype. Last evaluated: 2020-06-22. Review status: criteria provided, single submitter. Criteria: Ambry Variant Classification Scheme 2023. Collection method: clinical testing. Allele origin: germline.

PreventionGenetics, part of Exact Sciences
Classification: Likely benign for TNXB-related condition. Last evaluated: 2024-07-26. Review status: no assertion criteria provided. Collection method: clinical testing. Allele origin: germline. Not counted in ClinVar's aggregate classification.
Comment: This variant is classified as likely benign based on ACMG/AMP sequence variant interpretation guidelines (Richards et al. 2015 PMID: 25741868, with internal and published modifications).